The following is an entry in ClinVar:

NM_015178.3(RHOBTB2):c.1185C>T (p.Ser395=)

Gene: RHOBTB2 (Rho related BTB domain containing 2; plus strand). Cytogenetic location: 8p21.3.
Variant type: single nucleotide variant.
Coding change: c.1185C>T on transcript NM_015178.3 (MANE Select); coding-DNA position 1185, C replaced by T.
Protein change: p.Ser395=; no amino-acid change (serine 395 retained).
Molecular consequence: synonymous variant.
Genome position (GRCh38, 1-based): chr8:23,007,430, C>T. VCF-style: chr8-23007430-C-T. GRCh37 (hg19) VCF-style: chr8-22864943-C-T.
Other names: c.1251C>T, p.Ser417= (NM_001160036.2); c.1206C>T, p.Ser402= (NM_001160037.2); c.1185C>T, p.Ser395= (NM_001374791.1).
Identifiers: ClinVar variation 1591459 (VCV001591459.31), dbSNP rs201349334, ClinGen allele CA4672627.

ClinVar aggregate classification (germline): Likely benign. Review status: criteria provided, multiple submitters, no conflicts (2 of 4 stars). 2 submissions from 2 submitters: Likely benign (2). Last evaluated 2026-02-03.

Allele frequency attached by ClinVar (database versions not stated): gnomAD exomes 0.00002 and 0.00008; ExAC 0.00003; gnomAD 0.00004; TOPMed 0.00005; 1000 Genomes Project 30x 0.00016; 1000 Genomes Project 0.00020.
gnomAD v4.1: 117 of 1,614,156 alleles (0.0072%); highest among the groups gnomAD compares: Non-Finnish European, 0.0097%; no homozygotes.

Submissions (2):

Labcorp Genetics (formerly Invitae), Labcorp
Classification: Likely benign. Last evaluated: 2026-02-03. Review status: criteria provided, single submitter. Criteria: Invitae Variant Classification Sherloc (09022015). Collection method: clinical testing. Allele origin: germline.

CeGaT Center for Human Genetics Tuebingen
Classification: Likely benign. Last evaluated: 2023-03-01. Review status: criteria provided, single submitter. Criteria: CeGaT Center For Human Genetics Tuebingen Variant Classification Criteria Version 2. Collection method: clinical testing. Allele origin: germline. Affected: yes. Observed: 1 variant allele.
Comment: ENSG00000245025: BP4; RHOBTB2: BP4